The following is an entry in ClinVar:

ClinVar aggregate classification (germline): Conflicting classifications of pathogenicity. Review status: criteria provided, conflicting classifications (1 of 4 stars). 4 submissions from 4 submitters: Uncertain significance (3); Likely benign (1). Last evaluated 2025-09-10.

Conditions:
Long QT syndrome (LQTS). Identifiers: MedGen C0023976, MeSH D008133, MONDO:0002442. Disease mechanism: loss of function. Inheritance: Various modes of inheritance.
Short QT syndrome type 1. Identifiers: Orphanet 51083, MedGen C1865020, MONDO:0012312, OMIM 609620.
Long QT syndrome 2 (LQT2). Identifiers: Orphanet 101016, Orphanet 768, MedGen C3150943, MONDO:0013367, OMIM 613688.

Allele frequency attached by ClinVar (database versions not stated): TOPMed 0.00001; ExAC 0.00004; gnomAD exomes 0.00005 and 0.00008; gnomAD 0.00006.

Submissions (4):

GeneDx
Classification: Uncertain significance. Last evaluated: 2025-09-10. Review status: criteria provided, single submitter. Criteria: GeneDx Variant Classification Process June 2021. Collection method: clinical testing. Allele origin: germline. Affected: yes.
Comment: In silico analysis suggests that this missense variant does not alter protein structure/function; Has not been previously published as pathogenic or benign to our knowledge

Labcorp Genetics (formerly Invitae), Labcorp
Classification: Uncertain significance for Long QT syndrome. Last evaluated: 2025-05-26. Review status: criteria provided, single submitter. Criteria: Invitae Variant Classification Sherloc (09022015). Collection method: clinical testing. Allele origin: germline.
Comment: This sequence change replaces histidine, which is basic and polar, with arginine, which is basic and polar, at codon 147 of the KCNH2 protein (p.His147Arg). This variant is present in population databases (rs768938134, gnomAD 0.07%), and has an allele count higher than expected for a pathogenic variant. This variant has not been reported in the literature in individuals affected with KCNH2-related conditions. ClinVar contains an entry for this variant (Variation ID: 200285). An algorithm developed to predict the effect of missense changes on protein structure and function (PolyPhen-2) suggests that this variant is likely to be tolerated. In summary, the available evidence is currently insufficient to determine the role of this variant in disease. Therefore, it has been classified as a Variant of Uncertain Significance.

Blueprint Genetics
Classification: Likely benign. Last evaluated: 2024-08-22. Review status: criteria provided, single submitter. Criteria: ACMG Guidelines, 2015. Collection method: clinical testing. Allele origin: germline.

Fulgent Genetics
Classification: Uncertain significance for Short QT syndrome type 1; Long QT syndrome 2. Last evaluated: 2018-10-31. Review status: criteria provided, single submitter. Criteria: ACMG Guidelines, 2015. Collection method: clinical testing. Allele origin: unknown.

NM_000238.4(KCNH2):c.440A>G (p.His147Arg)

Gene: KCNH2 (potassium voltage-gated channel subfamily H member 2; minus strand). Cytogenetic location: 7q36.1.
Variant type: single nucleotide variant.
Coding change: c.440A>G on transcript NM_000238.4 (MANE Select); coding-DNA position 440, A replaced by G.
Protein change: p.His147Arg; replaces histidine 147 with arginine.
Molecular consequence: missense variant.
Genome position (GRCh38, 1-based): chr7:150,959,604, T>C on the plus strand (A>G on the coding strand, the complement: KCNH2 is on the minus strand). VCF-style: chr7-150959604-T-C. GRCh37 (hg19) VCF-style: chr7-150656692-T-C.
Other names: p.H147R:CAC>CGC; c.152A>G, p.His51Arg (NM_001406753.1, NM_001406756.1); c.263A>G, p.His88Arg (NM_001406755.1); c.140A>G, p.His47Arg (NM_001406757.1); c.440A>G, p.His147Arg (NM_172056.3); short protein forms H147R, H51R, H88R, H47R.
Identifiers: ClinVar variation 200285 (VCV000200285.14), dbSNP rs768938134, ClinGen allele CA008440.